The following is an entry in ClinVar:

NM_004655.4(AXIN2):c.468C>T (p.Tyr156=)

Gene: AXIN2 (axin 2; minus strand). Cytogenetic location: 17q24.1.
Variant type: single nucleotide variant.
Coding change: c.468C>T on transcript NM_004655.4 (MANE Select); coding-DNA position 468, C replaced by T.
Protein change: p.Tyr156=; no amino-acid change (tyrosine 156 retained).
Molecular consequence: synonymous variant.
Genome position (GRCh38, 1-based): chr17:65,558,153, G>A on the plus strand (C>T on the coding strand, the complement: AXIN2 is on the minus strand). VCF-style: chr17-65558153-G-A. GRCh37 (hg19) VCF-style: chr17-63554271-G-A.
Other names: c.468C>T (LRG_296t1); c.468C>T, p.Tyr156= (NM_001363813.1).
Identifiers: ClinVar variation 506297 (VCV000506297.19), dbSNP rs62640025, ClinGen allele CA8719045.

ClinVar aggregate classification (germline): Conflicting classifications of pathogenicity. Review status: criteria provided, conflicting classifications (1 of 4 stars). 6 submissions from 6 submitters: Uncertain significance (1); Benign (1); Likely benign (3). 1 of the submissions does not count toward it. Last evaluated 2026-01-13.

Conditions:
AXIN2-related disorder.
Hereditary cancer-predisposing syndrome. Also called: Neoplastic Syndromes, Hereditary; Hereditary Cancer Syndrome; Tumor predisposition; Hereditary neoplastic syndrome. Identifiers: Orphanet 140162, MedGen C0027672, MeSH D009386, MONDO:0015356.
Oligodontia-cancer predisposition syndrome. Also called: TOOTH AGENESIS-COLORECTAL CANCER SYNDROME. Identifiers: Orphanet 300576, MedGen C1837750, MONDO:0012075, OMIM 608615. Disease mechanism: loss of function.

Allele frequency attached by ClinVar (database versions not stated): ExAC 0.00001; gnomAD 0.00001; gnomAD exomes 0.00001 and 0.00002; TOPMed 0.00001.
gnomAD v4.1: 25 of 1,614,032 alleles (0.0015%); highest among the groups gnomAD compares: Non-Finnish European, 0.002%; no homozygotes.

Submissions (6):

Labcorp Genetics (formerly Invitae), Labcorp
Classification: Likely benign for Oligodontia-cancer predisposition syndrome. Last evaluated: 2026-01-13. Review status: criteria provided, single submitter. Criteria: Invitae Variant Classification Sherloc (09022015). Collection method: clinical testing. Allele origin: germline.

Quest Diagnostics Nichols Institute San Juan Capistrano
Classification: Uncertain significance. Last evaluated: 2025-08-01. Review status: criteria provided, single submitter. Criteria: Quest Diagnostics criteria. Collection method: clinical testing. Allele origin: unknown.
Comment: The AXIN2 c.468C>T (p.Tyr156=) synonymous variant has not been reported in individuals with AXIN2-related conditions in the published literature. The frequency of this variant in the general population (Genome Aggregation Database) is uninformative in the assessment of its pathogenicity. Analysis of this variant using software algorithms for the prediction of the effect of nucleotide changes on splicing yielded predictions that this variant does not affect AXIN2 mRNA splicing. Based on the available information, we are unable to determine the clinical significance of this variant.

Myriad Genetics, Inc.
Classification: Benign for Oligodontia-cancer predisposition syndrome. Last evaluated: 2024-06-26. Review status: criteria provided, single submitter. Criteria: Myriad Autosomal Dominant, Autosomal Recessive and X-Linked Classification Criteria (2023). Collection method: clinical testing. Allele origin: unknown.
Comment: This variant is considered benign. This variant is a silent/synonymous amino acid change and it is not expected to impact splicing.

Ambry Genetics
Classification: Likely benign for Hereditary cancer-predisposing syndrome. Last evaluated: 2019-10-08. Review status: criteria provided, single submitter. Criteria: Ambry Variant Classification Scheme 2023. Collection method: clinical testing. Allele origin: germline.

GeneDx
Classification: Likely benign. Last evaluated: 2017-05-31. Review status: criteria provided, single submitter. Criteria: GeneDx Variant Classification (06012015). Collection method: clinical testing. Allele origin: germline. Affected: yes.
Comment: This variant is considered likely benign or benign based on one or more of the following criteria: it is a conservative change, it occurs at a poorly conserved position in the protein, it is predicted to be benign by multiple in silico algorithms, and/or has population frequency not consistent with disease.

PreventionGenetics, part of Exact Sciences
Classification: Likely benign for AXIN2-related condition. Last evaluated: 2024-07-21. Review status: no assertion criteria provided. Collection method: clinical testing. Allele origin: germline. Not counted in ClinVar's aggregate classification.
Comment: This variant is classified as likely benign based on ACMG/AMP sequence variant interpretation guidelines (Richards et al. 2015 PMID: 25741868, with internal and published modifications).